The following is an entry in ClinVar:

NM_001360016.2(G6PD):c.1422G>A (p.Leu474=)

Gene: G6PD (glucose-6-phosphate dehydrogenase; minus strand). Cytogenetic location: Xq28.
Variant type: single nucleotide variant.
Coding change: c.1422G>A on transcript NM_001360016.2 (MANE Select); coding-DNA position 1422, G replaced by A.
Protein change: p.Leu474=; no amino-acid change (leucine 474 retained).
Molecular consequence: synonymous variant.
Genome position (GRCh38, 1-based): chrX:154,532,223, C>T on the plus strand (G>A on the coding strand, the complement: G6PD is on the minus strand). VCF-style: chrX-154532223-C-T. GRCh37 (hg19) VCF-style: chrX-153760438-C-T.
Other names: c.1512G>A, p.Leu504= (NM_000402.4); c.1422G>A, p.Leu474= (NM_001042351.3).
Identifiers: ClinVar variation 1722651 (VCV001722651.3), dbSNP rs2148328378, ClinGen allele CA519302928.
Genomic context (GRCh38, chrX:154,532,223, plus strand): 5'-TCCCCAGCCCCCACCCTTTCCTCACCTGCCATAAATATAGGGGATGGGCTTGGGCTTCTC[C>T]AGCTCAATCTGGTGCAGCAGTGGGGTGAAAATACGCCAGGCCTCACGGAGCTCGTCGCTG-3'
Protein context (NP_001346945.1, residues 464-484): IFTPLLHQIE[Leu474=]EKPKPIPYIY

ClinVar aggregate classification (germline): Uncertain significance (1 of 4 stars; one submission).

Conditions:
Anemia, nonspherocytic hemolytic, due to G6PD deficiency (CNSHA1). Also called: Hemolytic anemia due to G6PD deficiency; Class I glucose-6-phosphate dehydrogenase deficiency; Favism, susceptibility to; ANEMIA, CONGENITAL, NONSPHEROCYTIC HEMOLYTIC, 1. Identifiers: Orphanet 466026, MedGen C2720289, MONDO:0010480, OMIM 300908.

Submission:

Dunham Lab, University of Washington
Classification: Uncertain significance for Anemia, nonspherocytic hemolytic, due to G6PD deficiency. Last evaluated: 2024-12-05. Review status: criteria provided, single submitter. Criteria: Bayesian ACMG Guidelines, 2018. Collection method: curation. Allele origin: unknown. Affected: no.
Comment: Post_P 0.0059 (odds of pathogenicity 0.053, Prior_P 0.1).

Literature cited by the submitters: PubMed 31862010.